The following is an entry in ClinVar:

ClinVar aggregate classification (germline): Uncertain significance. Review status: criteria provided, single submitter (1 of 4 stars). 2 submissions from 2 submitters: Uncertain significance (1). 1 of the submissions does not count toward it. Last evaluated 2024-04-19.

Conditions:
EXOC2-related disorder. Also called: EXOC2-related condition.

Allele frequency attached by ClinVar (database versions not stated): ExAC 0.00009; gnomAD 0.00013; TOPMed 0.00013; 1000 Genomes Project 30x 0.00016; 1000 Genomes Project 0.00020; ESP Exome Variant Server 0.00023.
gnomAD v4.1: 80 of 1,614,012 alleles (0.005%); highest among the groups gnomAD compares: South Asian, 0.047%; 1 homozygote.

Submissions (2):

Ambry Genetics
Classification: Uncertain significance. Last evaluated: 2024-04-19. Review status: criteria provided, single submitter. Criteria: Ambry Variant Classification Scheme 2023. Collection method: clinical testing. Allele origin: germline.

PreventionGenetics, part of Exact Sciences
Classification: Uncertain significance for EXOC2-related condition. Last evaluated: 2024-09-19. Review status: no assertion criteria provided. Collection method: clinical testing. Allele origin: germline. Not counted in ClinVar's aggregate classification.
Comment: The EXOC2 c.2188G>A variant is predicted to result in the amino acid substitution p.Ala730Thr. To our knowledge, this variant has not been reported in the literature. This variant is reported in 0.049% of alleles in individuals of South Asian descent in gnomAD. Although we suspect that this variant may be benign, at this time, the clinical significance of this variant is uncertain due to the absence of conclusive functional and genetic evidence.

NM_018303.6(EXOC2):c.2188G>A (p.Ala730Thr)

Gene: EXOC2 (exocyst complex component 2; minus strand). Cytogenetic location: 6p25.3.
Variant type: single nucleotide variant.
Coding change: c.2188G>A on transcript NM_018303.6 (MANE Select); coding-DNA position 2188, G replaced by A.
Protein change: p.Ala730Thr; replaces alanine 730 with threonine.
Molecular consequence: missense variant. On other transcripts: non-coding transcript variant (1).
Genome position (GRCh38, 1-based): chr6:549,225, C>T on the plus strand (G>A on the coding strand, the complement: EXOC2 is on the minus strand). VCF-style: chr6-549225-C-T. GRCh37 (hg19) VCF-style: chr6-549225-C-T.
Other names: c.2188G>A (NM_018303.4); short protein forms A730T.
Identifiers: ClinVar variation 2631923 (VCV002631923.3), dbSNP rs371351053, ClinGen allele CA3613253.
Genomic context (GRCh38, chr6:549,225, plus strand): 5'-ACTCGCTTACCTGTGTGATTTTTTCTATTCCCTGGAAGTTGTGCTTTTCAAAATGTTCTG[C>T]GATATTTAGGAAGGTGTGACGTTCTAGATAGCAGCAATTACTTAGGACTATCAAAAGGCG-3'
Protein context (NP_060773.3, residues 720-740): YLERHTFLNI[Ala730Thr]EHFEKHNFQG